The following is an entry in ClinVar:

NM_138395.4(MARS2):c.1090C>T (p.Arg364Cys)

Gene: MARS2 (methionyl-tRNA synthetase 2, mitochondrial; plus strand). Cytogenetic location: 2q33.1.
Variant type: single nucleotide variant.
Coding change: c.1090C>T on transcript NM_138395.4 (MANE Select); coding-DNA position 1090, C replaced by T.
Protein change: p.Arg364Cys; replaces arginine 364 with cysteine.
Molecular consequence: missense variant.
Genome position (GRCh38, 1-based): chr2:197,706,495, C>T. VCF-style: chr2-197706495-C-T. GRCh37 (hg19) VCF-style: chr2-198571219-C-T.
Other names: short protein forms R364C.
Identifiers: ClinVar variation 3694792 (VCV003694792.2).

ClinVar aggregate classification (germline): Uncertain significance (1 of 4 stars; one submission).

Submission:

Labcorp Genetics (formerly Invitae), Labcorp
Classification: Uncertain significance. Last evaluated: 2024-05-24. Review status: criteria provided, single submitter. Criteria: Invitae Variant Classification Sherloc (09022015). Collection method: clinical testing. Allele origin: germline.
Comment: This sequence change replaces arginine, which is basic and polar, with cysteine, which is neutral and slightly polar, at codon 364 of the MARS2 protein (p.Arg364Cys). This variant is not present in population databases (gnomAD no frequency). This variant has not been reported in the literature in individuals affected with MARS2-related conditions. Advanced modeling of protein sequence and biophysical properties (such as structural, functional, and spatial information, amino acid conservation, physicochemical variation, residue mobility, and thermodynamic stability) performed at Invitae indicates that this missense variant is not expected to disrupt MARS2 protein function with a negative predictive value of 80%. In summary, the available evidence is currently insufficient to determine the role of this variant in disease. Therefore, it has been classified as a Variant of Uncertain Significance.